The following is an entry in ClinVar:

ClinVar aggregate classification (germline): Uncertain significance. Review status: criteria provided, single submitter (1 of 4 stars). 2 submissions from 2 submitters: Uncertain significance (1). 1 of the submissions does not count toward it. Last evaluated 2025-09-27.

Conditions:
PCNT-related disorder. Also called: PCNT-related condition.
Inborn genetic diseases. Identifiers: MedGen C0950123, MeSH D030342.

Submissions (2):

Ambry Genetics
Classification: Uncertain significance for Inborn genetic diseases. Last evaluated: 2025-09-27. Review status: criteria provided, single submitter. Criteria: Ambry Variant Classification Scheme 2023. Collection method: clinical testing. Allele origin: germline.

PreventionGenetics, part of Exact Sciences
Classification: Uncertain significance for PCNT-related condition. Last evaluated: 2024-03-06. Review status: no assertion criteria provided. Collection method: clinical testing. Allele origin: germline. Not counted in ClinVar's aggregate classification.
Comment: The PCNT c.394A>T variant is predicted to result in the amino acid substitution p.Met132Leu. To our knowledge, this variant has not been reported in the literature. This variant is reported in 0.00088% of alleles in individuals of European (Non-Finnish) descent in gnomAD. At this time, the clinical significance of this variant is uncertain due to the absence of conclusive functional and genetic evidence.

NM_006031.6(PCNT):c.394A>T (p.Met132Leu)

Gene: PCNT (pericentrin; plus strand). Cytogenetic location: 21q22.3.
Variant type: single nucleotide variant.
Coding change: c.394A>T on transcript NM_006031.6 (MANE Select); coding-DNA position 394, A replaced by T.
Protein change: p.Met132Leu; replaces methionine 132 with leucine.
Molecular consequence: missense variant.
Genome position (GRCh38, 1-based): chr21:46,334,523, A>T. VCF-style: chr21-46334523-A-T. GRCh37 (hg19) VCF-style: chr21-47754437-A-T.
Other names: c.40A>T, p.Met14Leu (NM_001315529.2); short protein forms M132L, M14L.
Identifiers: ClinVar variation 3349157 (VCV003349157.2).